The following is an entry in ClinVar:

NM_014639.4(SKIC3):c.1757+4A>G

Gene: SKIC3 (SKI3 subunit of superkiller complex; minus strand). Cytogenetic location: 5q15.
Variant type: single nucleotide variant.
Coding change: c.1757+4A>G on transcript NM_014639.4 (MANE Select); 4 bases into the intron after coding-DNA position 1757, A replaced by G.
Molecular consequence: intron variant.
Genome position (GRCh38, 1-based): chr5:95,523,198, T>C on the plus strand (A>G on the coding strand, the complement: SKIC3 is on the minus strand). VCF-style: chr5-95523198-T-C. GRCh37 (hg19) VCF-style: chr5-94858902-T-C.
Identifiers: ClinVar variation 2079061 (VCV002079061.1), dbSNP rs2530767783, ClinGen allele CA2580073811.

ClinVar aggregate classification (germline): Uncertain significance (1 of 4 stars; one submission).

Allele frequency attached by ClinVar (database versions not stated): gnomAD exomes below 0.00001.
gnomAD v4.1: 3 of 1,613,716 alleles (0.00019%); highest among the groups gnomAD compares: Non-Finnish European, 0.00025%; no homozygotes.

Submission:

Labcorp Genetics (formerly Invitae), Labcorp
Classification: Uncertain significance. Last evaluated: 2022-01-11. Review status: criteria provided, single submitter. Criteria: Invitae Variant Classification Sherloc (09022015). Collection method: clinical testing. Allele origin: germline.
Comment: This sequence change falls in intron 18 of the TTC37 gene. It does not directly change the encoded amino acid sequence of the TTC37 protein. It affects a nucleotide within the consensus splice site. This variant is not present in population databases (gnomAD no frequency). This variant has not been reported in the literature in individuals affected with TTC37-related conditions. Variants that disrupt the consensus splice site are a relatively common cause of aberrant splicing (PMID: 17576681, 9536098). Algorithms developed to predict the effect of sequence changes on RNA splicing suggest that this variant may disrupt the consensus splice site. In summary, the available evidence is currently insufficient to determine the role of this variant in disease. Therefore, it has been classified as a Variant of Uncertain Significance.

Literature cited by the submitters: PubMed 17576681; PubMed 9536098.